The following is an entry in ClinVar:

ClinVar aggregate classification (germline): Likely pathogenic (1 of 4 stars; one submission).

Conditions:
Neuronal ceroid lipofuscinosis 13 (CLN13). Also called: CEROID LIPOFUSCINOSIS, NEURONAL, 13 (KUFS TYPE); CLN13 Disease. Identifiers: Orphanet 352709, Orphanet 79262, MedGen C3715049, MONDO:0014147, OMIM 615362.

Allele frequency attached by ClinVar (database versions not stated): gnomAD exomes below 0.00001; TOPMed 0.00001.

Submission:

3billion
Classification: Likely pathogenic for Neuronal ceroid lipofuscinosis 13. Review status: criteria provided, single submitter. Criteria: ACMG Guidelines, 2015. Collection method: clinical testing. Allele origin: unknown. Affected: yes. Observed: 1 heterozygote.
Comment: The variant is observed at an extremely low frequency in the gnomAD v2.1.1 dataset (total allele frequency: <0.001%). The variant is predicted to alter splicing and result in a loss or disruption of normal protein function. Multiple pathogenic loss-of-function variants are reported downstream of the variant. Therefore, this variant is classified as Likely pathogenic according to the recommendation of ACMG/AMP guideline.

NM_003793.4(CTSF):c.965-1G>A

Gene: CTSF (cathepsin F; minus strand). Cytogenetic location: 11q13.2.
Variant type: single nucleotide variant.
Coding change: c.965-1G>A on transcript NM_003793.4 (MANE Select); the canonical splice acceptor site of the intron before coding-DNA position 965, G replaced by A.
Molecular consequence: splice acceptor variant.
Genome position (GRCh38, 1-based): chr11:66,565,752, C>T on the plus strand (G>A on the coding strand, the complement: CTSF is on the minus strand). VCF-style: chr11-66565752-C-T. GRCh37 (hg19) VCF-style: chr11-66333223-C-T.
Identifiers: ClinVar variation 2572494 (VCV002572494.2), dbSNP rs1051519244, ClinGen allele CA224080504.